The following is an entry in ClinVar:

NM_000219.6(KCNE1):c.279C>G (p.Ala93=)

Gene: KCNE1 (potassium voltage-gated channel subfamily E regulatory subunit 1; minus strand). Cytogenetic location: 21q22.12.
Variant type: single nucleotide variant.
Coding change: c.279C>G on transcript NM_000219.6 (MANE Select); coding-DNA position 279, C replaced by G.
Protein change: p.Ala93=; no amino-acid change (alanine 93 retained).
Molecular consequence: synonymous variant.
Genome position (GRCh38, 1-based): chr21:34,449,356, G>C on the plus strand (C>G on the coding strand, the complement: KCNE1 is on the minus strand). VCF-style: chr21-34449356-G-C. GRCh37 (hg19) VCF-style: chr21-35821654-G-C.
Other names: c.279C>G, p.Ala93= (NM_001127668.4, NM_001127669.4, NM_001127670.4 and 4 more transcripts).
Identifiers: ClinVar variation 3374517 (VCV003374517.2).
Genomic context (GRCh38, chr21:34,449,356, plus strand): 5'-CAGATGGTTTTCAACGACATAGCACGACCTGTAGCTCTCCAGGACCCGGGCCTGGACATA[G>C]GCCTTGTCCTTCTCTTGCCAGGCATCGGACTCGATGTAGACGTTGAATGGGTCGTTCGAG-3'
Protein context (NP_000210.2, residues 83-103): ESDAWQEKDK[Ala93=]YVQARVLESY

Conditions:
Long QT syndrome 5 (LQT5). Identifiers: Orphanet 101016, Orphanet 768, MedGen C1867904, MONDO:0013372, OMIM 613695.

Submission:

Roden Lab, Vanderbilt University Medical Center
No classification provided (evidence only). Condition: Long QT syndrome 5. Review status: no classification provided. Collection method: in vitro. Allele origin: not applicable. Functional consequence: Effect on ion channel function.
ClinVar note: "not provided" was previously submitted as the classification for the variant. However, the classification appeared to be based only on an observation of functional data so it was converted to no classification on 2025-07-30.